The following is an entry in ClinVar:

NM_002332.3(LRP1):c.8884G>A (p.Gly2962Ser)

Gene: LRP1 (LDL receptor related protein 1; plus strand). Cytogenetic location: 12q13.3.
Variant type: single nucleotide variant.
Coding change: c.8884G>A on transcript NM_002332.3 (MANE Select); coding-DNA position 8884, G replaced by A.
Protein change: p.Gly2962Ser; replaces glycine 2962 with serine.
Molecular consequence: missense variant.
Genome position (GRCh38, 1-based): chr12:57,196,269, G>A. VCF-style: chr12-57196269-G-A. GRCh37 (hg19) VCF-style: chr12-57590052-G-A.
Other names: short protein forms G2962S.
Identifiers: ClinVar variation 784245 (VCV000784245.11), dbSNP rs144160982, ClinGen allele CA6644514.

ClinVar aggregate classification (germline): Benign/Likely benign. Review status: criteria provided, multiple submitters, no conflicts (2 of 4 stars). 4 submissions from 4 submitters: Benign (1); Likely benign (3). Last evaluated 2025-11-01.

Allele frequency attached by ClinVar (database versions not stated): gnomAD exomes 0.00036 and 0.00014; ExAC 0.00069; ESP Exome Variant Server 0.00108; TOPMed 0.00114; gnomAD 0.00118 and 0.00123; 1000 Genomes Project 0.00399; 1000 Genomes Project 30x 0.00453.

Submissions (4):

CeGaT Center for Human Genetics Tuebingen
Classification: Benign. Last evaluated: 2025-11-01. Review status: criteria provided, single submitter. Criteria: CeGaT Center For Human Genetics Tuebingen Variant Classification Criteria Version 2. Collection method: clinical testing. Allele origin: germline. Affected: yes. Observed: 1 variant allele.
Comment: LRP1: BS1, BS2

Blueprint Genetics
Classification: Likely benign. Last evaluated: 2024-08-09. Review status: criteria provided, single submitter. Criteria: ACMG Guidelines, 2015. Collection method: clinical testing. Allele origin: germline.

Labcorp Genetics (formerly Invitae), Labcorp
Classification: Likely benign. Last evaluated: 2018-05-18. Review status: criteria provided, single submitter. Criteria: Invitae Variant Classification Sherloc (09022015). Collection method: clinical testing. Allele origin: germline.

Breakthrough Genomics
Classification: Likely benign. Review status: criteria provided, single submitter. Criteria: ACMG Guidelines, 2015. Collection method: not provided. Allele origin: germline. Inheritance: Autosomal recessive inheritance. Affected: yes.